The following is an entry in ClinVar:

ClinVar aggregate classification (germline): Conflicting classifications of pathogenicity. Review status: criteria provided, conflicting classifications (1 of 4 stars). 3 submissions from 3 submitters: Uncertain significance (2); Likely benign (1). Last evaluated 2025-09-05.

Conditions:
Erythrocytosis, familial, 3 (ECYT3). Identifiers: Orphanet 247511, MedGen C1853286, MONDO:0012353, OMIM 609820.

Allele frequency attached by ClinVar (database versions not stated): TOPMed 0.00003; 1000 Genomes Project 30x 0.00016.
gnomAD v4.1: 35 of 1,603,776 alleles (0.0022%); highest among the groups gnomAD compares: South Asian, 0.0055%; no homozygotes.

Submissions (3):

Labcorp Genetics (formerly Invitae), Labcorp
Classification: Uncertain significance for Erythrocytosis, familial, 3. Last evaluated: 2025-09-05. Review status: criteria provided, single submitter. Criteria: Invitae Variant Classification Sherloc (09022015). Collection method: clinical testing. Allele origin: germline.
Comment: This sequence change replaces proline, which is neutral and non-polar, with alanine, which is neutral and non-polar, at codon 165 of the EGLN1 protein (p.Pro165Ala). The frequency data for this variant in the population databases is considered unreliable, as metrics indicate poor data quality at this position in the gnomAD database. This variant has not been reported in the literature in individuals affected with EGLN1-related conditions. ClinVar contains an entry for this variant (Variation ID: 1023965). An algorithm developed to predict the effect of missense changes on protein structure and function outputs the following: PolyPhen-2: "Benign". The alanine amino acid residue is found in multiple mammalian species, which suggests that this missense change does not adversely affect protein function. In summary, the available evidence is currently insufficient to determine the role of this variant in disease. Therefore, it has been classified as a Variant of Uncertain Significance.

Ambry Genetics
Classification: Likely benign. Last evaluated: 2025-01-21. Review status: criteria provided, single submitter. Criteria: Ambry Variant Classification Scheme 2023. Collection method: clinical testing. Allele origin: germline.

Neuberg Centre For Genomic Medicine, NCGM
Classification: Uncertain significance for Erythrocytosis, familial, 3. Review status: criteria provided, single submitter. Criteria: ACMG Guidelines, 2015. Collection method: clinical testing. Allele origin: germline. Inheritance: Autosomal dominant inheritance. Affected: yes.
Comment: The missense variant c.493C>G (p.Pro165Ala) in EGLN1 gene has not been reported previously as a pathogenic variant nor as a benign variant, to our knowledge. The p.Pro165Ala variant has allele frequency of 0.0023% in the gnomad and novel in 1000 genome database. This variant has been reported to the ClinVar database as Uncertain significance (VUS). The amino acid Pro at position 165 is changed to a Ala changing protein sequence and it might alter its composition and physico-chemical properties. The amino acid change p.Pro165Ala in EGLN1 is predicted as conserved by GERP++ and PhyloP across 100 vertebrates. For these reasons, this variant has been classified as Uncertain Significance (VUS).

NM_022051.3(EGLN1):c.493C>G (p.Pro165Ala)

Gene: EGLN1 (egl-9 family hypoxia inducible factor 1; minus strand). Cytogenetic location: 1q42.2.
Variant type: single nucleotide variant.
Coding change: c.493C>G on transcript NM_022051.3 (MANE Select); coding-DNA position 493, C replaced by G.
Protein change: p.Pro165Ala; replaces proline 165 with alanine.
Molecular consequence: missense variant.
Genome position (GRCh38, 1-based): chr1:231,421,396, G>C on the plus strand (C>G on the coding strand, the complement: EGLN1 is on the minus strand). VCF-style: chr1-231421396-G-C. GRCh37 (hg19) VCF-style: chr1-231557142-G-C.
Other names: c.493C>G, p.Pro165Ala (NM_001377260.1, NM_001377261.1); c.493C>G (NM_022051.2); short protein forms P165A.
Identifiers: ClinVar variation 1023965 (VCV001023965.7), dbSNP rs200502960, ClinGen allele CA1453167.